The following is an entry in ClinVar:

ClinVar aggregate classification (germline): Uncertain significance. Review status: criteria provided, multiple submitters, no conflicts (2 of 4 stars). 2 submissions from 2 submitters: Uncertain significance (2). Last evaluated 2023-05-24.

Conditions:
Inborn genetic diseases. Identifiers: MedGen C0950123, MeSH D030342.

Allele frequency attached by ClinVar (database versions not stated): gnomAD 0.00004.
gnomAD v4.1: 49 of 1,613,926 alleles (0.003%); highest among the groups gnomAD compares: South Asian, 0.0088%; no homozygotes.

Submissions (2):

Ambry Genetics
Classification: Uncertain significance for Inborn genetic diseases. Last evaluated: 2023-05-24. Review status: criteria provided, single submitter. Criteria: Ambry Variant Classification Scheme 2023. Collection method: clinical testing. Allele origin: germline.

CeGaT Center for Human Genetics Tuebingen
Classification: Uncertain significance. Last evaluated: 2023-03-01. Review status: criteria provided, single submitter. Criteria: CeGaT Center For Human Genetics Tuebingen Variant Classification Criteria Version 2. Collection method: clinical testing. Allele origin: germline. Affected: yes. Observed: 1 variant allele.
Comment: CPAMD8: PM2, BP4

NM_015692.5(CPAMD8):c.3706G>A (p.Ala1236Thr)

Gene: CPAMD8 (C3 and PZP like alpha-2-macroglobulin domain containing 8; minus strand). Cytogenetic location: 19p13.11.
Variant type: single nucleotide variant.
Coding change: c.3706G>A on transcript NM_015692.5 (MANE Select); coding-DNA position 3706, G replaced by A.
Protein change: p.Ala1236Thr; replaces alanine 1236 with threonine.
Molecular consequence: missense variant.
Genome position (GRCh38, 1-based): chr19:16,914,737, C>T on the plus strand (G>A on the coding strand, the complement: CPAMD8 is on the minus strand). VCF-style: chr19-16914737-C-T. GRCh37 (hg19) VCF-style: chr19-17025547-C-T.
Other names: short protein forms A1236T.
Identifiers: ClinVar variation 2569193 (VCV002569193.26), dbSNP rs774635346, ClinGen allele CA9284895.